The following is an entry in ClinVar:

NM_001184.4(ATR):c.1107G>T (p.Lys369Asn)

Gene: ATR (ATR serine/threonine kinase; minus strand). Cytogenetic location: 3q23.
Variant type: single nucleotide variant.
Coding change: c.1107G>T on transcript NM_001184.4 (MANE Select); coding-DNA position 1107, G replaced by T.
Protein change: p.Lys369Asn; replaces lysine 369 with asparagine.
Molecular consequence: missense variant.
Genome position (GRCh38, 1-based): chr3:142,562,295, C>A on the plus strand (G>T on the coding strand, the complement: ATR is on the minus strand). VCF-style: chr3-142562295-C-A. GRCh37 (hg19) VCF-style: chr3-142281137-C-A.
Other names: c.1107G>T, p.Lys369Asn (NM_001354579.2); short protein forms K369N.
Identifiers: ClinVar variation 3461575 (VCV003461575.1).

ClinVar aggregate classification (germline): Uncertain significance (1 of 4 stars; one submission).

Conditions:
Inborn genetic diseases. Identifiers: MedGen C0950123, MeSH D030342.

Submission:

Ambry Genetics
Classification: Uncertain significance for Inborn genetic diseases. Last evaluated: 2024-08-13. Review status: criteria provided, single submitter. Criteria: Ambry Variant Classification Scheme 2023. Collection method: clinical testing. Allele origin: germline.
Comment: The p.K369N variant (also known as c.1107G>T), located in coding exon 4 of the ATR gene, results from a G to T substitution at nucleotide position 1107. The lysine at codon 369 is replaced by asparagine, an amino acid with similar properties. This amino acid position is conserved. In addition, this alteration is predicted to be tolerated by in silico analysis. Based on the available evidence, the clinical significance of this variant remains unclear.